The following is an entry in ClinVar:

NM_006206.6(PDGFRA):c.837G>A (p.Glu279=)

Gene: PDGFRA (platelet derived growth factor receptor alpha; plus strand). Cytogenetic location: 4q12.
Variant type: single nucleotide variant.
Coding change: c.837G>A on transcript NM_006206.6 (MANE Select); coding-DNA position 837, G replaced by A.
Protein change: p.Glu279=; no amino-acid change (glutamic acid 279 retained).
Molecular consequence: synonymous variant.
Genome position (GRCh38, 1-based): chr4:54,267,366, G>A. VCF-style: chr4-54267366-G-A. GRCh37 (hg19) VCF-style: chr4-55133533-G-A.
Other names: c.837G>A, p.Glu279= (NM_001347827.2, NM_001347829.2); c.912G>A, p.Glu304= (NM_001347828.2); c.876G>A, p.Glu292= (NM_001347830.2).
Identifiers: ClinVar variation 1763155 (VCV001763155.4), dbSNP rs2110264975, ClinGen allele CA439286167.
Genomic context (GRCh38, chr4:54,267,366, plus strand): 5'-AATGCTGGAAGAAATCAAAGTCCCATCCATCAAATTGGTGTACACTTTGACGGTCCCCGA[G>A]GCCACGGTGAAAGACAGTGGAGATTACGAATGTGCTGCCCGCCAGGCTACCAGGGAGGTC-3'
Protein context (NP_006197.1, residues 269-289): IKLVYTLTVP[Glu279=]ATVKDSGDYE

ClinVar aggregate classification (germline): Benign/Likely benign. Review status: criteria provided, multiple submitters, no conflicts (2 of 4 stars). 3 submissions from 3 submitters: Benign (1); Likely benign (2). Last evaluated 2026-06-16.

Conditions:
Polyps, multiple and recurrent inflammatory fibroid, gastrointestinal. Identifiers: MedGen C5193005, MONDO:0008285, OMIM 175510.
Gastrointestinal stromal tumor. Also called: Gastrointestinal stromal tumor, somatic; Gastrointestinal stroma tumor. Identifiers: Orphanet 44890, MedGen C0238198, MeSH D046152, MONDO:0011719, OMIM 606764, HP:0100723.
Hereditary cancer-predisposing syndrome. Also called: Neoplastic Syndromes, Hereditary; Tumor predisposition; Hereditary Cancer Syndrome; Hereditary neoplastic syndrome. Identifiers: Orphanet 140162, MedGen C0027672, MeSH D009386, MONDO:0015356.

Submissions (3):

Myriad Genetics, Inc.
Classification: Benign for Polyps, multiple and recurrent inflammatory fibroid, gastrointestinal. Last evaluated: 2026-06-16. Review status: criteria provided, single submitter. Criteria: Myriad Autosomal Dominant, Autosomal Recessive and X-Linked Classification Criteria (2023). Collection method: clinical testing. Allele origin: unknown.
Comment: This variant is considered benign. This variant is a silent/synonymous amino acid change and it is not expected to impact splicing.

Labcorp Genetics (formerly Invitae), Labcorp
Classification: Likely benign for Gastrointestinal stromal tumor. Last evaluated: 2026-01-20. Review status: criteria provided, single submitter. Criteria: Invitae Variant Classification Sherloc (09022015). Collection method: clinical testing. Allele origin: germline.

Ambry Genetics
Classification: Likely benign for Hereditary cancer-predisposing syndrome. Last evaluated: 2021-10-19. Review status: criteria provided, single submitter. Criteria: Ambry Variant Classification Scheme 2023. Collection method: clinical testing. Allele origin: germline.